The following is an entry in ClinVar:

ClinVar aggregate classification (germline): Uncertain significance. Review status: criteria provided, multiple submitters, no conflicts (2 of 4 stars). 3 submissions from 3 submitters: Uncertain significance (3). Last evaluated 2024-11-22.

Conditions:
Neurofibromatosis, type 2 (SWNV). Also called: NF2-Related Schwannomatosis; SCHWANNOMATOSIS, VESTIBULAR; BILATERAL ACOUSTIC NEUROFIBROMATOSIS. Identifiers: Orphanet 637, MedGen C0027832, MONDO:0007039, OMIM 101000. Disease mechanism: loss of function.
Hereditary cancer-predisposing syndrome. Also called: Tumor predisposition; Neoplastic Syndromes, Hereditary; Hereditary Cancer Syndrome; Hereditary neoplastic syndrome. Identifiers: Orphanet 140162, MedGen C0027672, MeSH D009386, MONDO:0015356.

Submissions (3):

Ambry Genetics
Classification: Uncertain significance for Hereditary cancer-predisposing syndrome. Last evaluated: 2024-11-22. Review status: criteria provided, single submitter. Criteria: Ambry Variant Classification Scheme 2023. Collection method: clinical testing. Allele origin: germline.
Comment: The p.D559G variant (also known as c.1676A>G), located in coding exon 15 of the NF2 gene, results from an A to G substitution at nucleotide position 1676. The aspartic acid at codon 559 is replaced by glycine, an amino acid with similar properties. This amino acid position is conserved. In addition, this alteration is predicted to be deleterious by in silico analysis. Since supporting evidence is limited at this time, the clinical significance of this alteration remains unclear.

Labcorp Genetics (formerly Invitae), Labcorp
Classification: Uncertain significance for Neurofibromatosis, type 2. Last evaluated: 2024-09-19. Review status: criteria provided, single submitter. Criteria: Invitae Variant Classification Sherloc (09022015). Collection method: clinical testing. Allele origin: germline.
Comment: This sequence change replaces aspartic acid, which is acidic and polar, with glycine, which is neutral and non-polar, at codon 559 of the NF2 protein (p.Asp559Gly). This variant is not present in population databases (gnomAD no frequency). This variant has not been reported in the literature in individuals affected with NF2-related conditions. ClinVar contains an entry for this variant (Variation ID: 1777792). Invitae Evidence Modeling of protein sequence and biophysical properties (such as structural, functional, and spatial information, amino acid conservation, physicochemical variation, residue mobility, and thermodynamic stability) indicates that this missense variant is not expected to disrupt NF2 protein function with a negative predictive value of 80%. In summary, the available evidence is currently insufficient to determine the role of this variant in disease. Therefore, it has been classified as a Variant of Uncertain Significance.

All of Us Research Program, National Institutes of Health
Classification: Uncertain significance for Neurofibromatosis, type 2. Last evaluated: 2023-08-08. Review status: criteria provided, single submitter. Criteria: ACMG Guidelines, 2015. Collection method: clinical testing. Allele origin: germline. Inheritance: Autosomal dominant inheritance. Observed: 1 variant allele, 1 heterozygote.
Comment: This missense variant replaces aspartic acid with glycine at codon 559 of the NF2 protein. Computational prediction suggests that this variant may have deleterious impact on protein structure and function (internally defined REVEL score threshold >= 0.7, PMID: 27666373). To our knowledge, functional studies have not been reported for this variant. This variant has not been reported in individuals affected with NF2-related disorders in the literature. This variant has not been identified in the general population by the Genome Aggregation Database (gnomAD). The available evidence is insufficient to determine the role of this variant in disease conclusively. Therefore, this variant is classified as a Variant of Uncertain Significance.

This study involves interpretation of variants in research participants for the purpose of population health screening. Participant phenotype was not available at the time of variant classification. Additional details can be found in publication PMID: 35346344, PMCID: PMC8962531

NM_000268.4(NF2):c.1676A>G (p.Asp559Gly)

Gene: NF2 (NF2, moesin-ezrin-radixin like (MERLIN) tumor suppressor; plus strand). Cytogenetic location: 22q12.2.
Variant type: single nucleotide variant.
Coding change: c.1676A>G on transcript NM_000268.4 (MANE Select); coding-DNA position 1676, A replaced by G.
Protein change: p.Asp559Gly; replaces aspartic acid 559 with glycine.
Molecular consequence: missense variant. On other transcripts: non-coding transcript variant (1), intron variant (1).
Genome position (GRCh38, 1-based): chr22:29,681,540, A>G. VCF-style: chr22-29681540-A-G. GRCh37 (hg19) VCF-style: chr22-30077529-A-G.
Other names: c.1562A>G, p.Asp521Gly (NM_001407053.1, NM_001407056.1); c.1553A>G, p.Asp518Gly (NM_001407054.1, NM_001407058.1, NM_181829.3); c.1550A>G, p.Asp517Gly (NM_001407055.1, NM_181828.3); c.1541A>G, p.Asp514Gly (NM_001407057.1, NM_001407059.1); c.1418A>G, p.Asp473Gly (NM_001407062.1); c.1427A>G, p.Asp476Gly (NM_001407063.1, NM_181830.3, NM_181831.3); c.1142A>G, p.Asp381Gly (NM_001407065.1); c.1676A>G, p.Asp559Gly (NM_001407066.1, NM_016418.5, NM_181825.3 and 1 more transcripts); and 2 more; short protein forms D381G, D518G, D521G, D559G, D476G, D482G, D517G, D473G.
Identifiers: ClinVar variation 1777792 (VCV001777792.6), dbSNP rs2518735563, ClinGen allele CA411150304.